The following is an entry in ClinVar:

NM_003571.4(BFSP2):c.790A>G (p.Ile264Val)

Genes: BFSP2 (beaded filament structural protein 2; plus strand), BFSP2-AS1 (BFSP2 antisense RNA 1; minus strand). Cytogenetic location: 3q22.1.
Variant type: single nucleotide variant.
Coding change: c.790A>G on transcript NM_003571.4 (MANE Select); coding-DNA position 790, A replaced by G.
Protein change: p.Ile264Val; replaces isoleucine 264 with valine.
Molecular consequence: missense variant.
Genome position (GRCh38, 1-based): chr3:133,450,363, A>G. VCF-style: chr3-133450363-A-G. GRCh37 (hg19) VCF-style: chr3-133169207-A-G.
Other names: c.790A>G (NM_003571.2); short protein forms I264V.
Identifiers: ClinVar variation 3049435 (VCV003049435.3), dbSNP rs149735452, ClinGen allele CA2623370.

ClinVar aggregate classification (germline): Uncertain significance. Review status: criteria provided, single submitter (1 of 4 stars). 2 submissions from 2 submitters: Uncertain significance (1). 1 of the submissions does not count toward it. Last evaluated 2023-09-22.

Conditions:
BFSP2-related disorder. Also called: BFSP2-related condition.

Allele frequency attached by ClinVar (database versions not stated): gnomAD 0.00005; gnomAD exomes 0.00008; TOPMed 0.00008; ExAC 0.00010; ESP Exome Variant Server 0.00015.
gnomAD v4.1: 130 of 1,614,074 alleles (0.0081%); highest among the groups gnomAD compares: Non-Finnish European, 0.0017%; no homozygotes.

Submissions (2):

Ambry Genetics
Classification: Uncertain significance. Last evaluated: 2023-09-22. Review status: criteria provided, single submitter. Criteria: Ambry Variant Classification Scheme 2023. Collection method: clinical testing. Allele origin: germline.

PreventionGenetics, part of Exact Sciences
Classification: Likely benign for BFSP2-related condition. Last evaluated: 2019-07-11. Review status: no assertion criteria provided. Collection method: clinical testing. Allele origin: germline. Not counted in ClinVar's aggregate classification.
Comment: This variant is classified as likely benign based on ACMG/AMP sequence variant interpretation guidelines (Richards et al. 2015 PMID: 25741868, with internal and published modifications).